The following is an entry in ClinVar:

ClinVar aggregate classification (germline): Benign. Review status: criteria provided, multiple submitters, no conflicts (2 of 4 stars). 2 submissions from 2 submitters: Benign (2). Last evaluated 2018-06-21.

Conditions:
Cystic fibrosis (CF). Also called: MUCOVISCIDOSIS. Identifiers: Orphanet 586, MedGen C0010674, MONDO:0009061, OMIM 219700. Disease mechanism: loss of function.

Allele frequency attached by ClinVar (database versions not stated): gnomAD 0.43267 and 0.43526; TOPMed 0.43855; 1000 Genomes Project 0.48363; 1000 Genomes Project 30x 0.48938.
gnomAD v4.1: 322,023 of 955,520 alleles (34%); highest among the groups gnomAD compares: African/African-American, 65%; 61,391 homozygotes.

Submissions (2):

GeneDx
Classification: Benign. Last evaluated: 2018-06-21. Review status: criteria provided, single submitter. Criteria: GeneDx Variant Classification Process June 2021. Collection method: clinical testing. Allele origin: germline. Affected: yes.

CFTR-France
Classification: Benign for cystic fibrosis. Last evaluated: 2018-01-29. Review status: criteria provided, single submitter. Criteria: Claustres M et al. (Hum Mutat 2017). Collection method: curation. Allele origin: germline. Affected: yes and no.
Comment: the variant does not result in CFTR-RD neither

NM_000492.4(CFTR):c.1766+152T>A

Gene: CFTR (CF transmembrane conductance regulator; plus strand). Cytogenetic location: 7q31.2.
Variant type: single nucleotide variant.
Coding change: c.1766+152T>A on transcript NM_000492.4 (MANE Select); 152 bases into the intron after coding-DNA position 1766, T replaced by A.
Molecular consequence: intron variant.
Genome position (GRCh38, 1-based): chr7:117,590,591, T>A. VCF-style: chr7-117590591-T-A. GRCh37 (hg19) VCF-style: chr7-117230645-T-A.
Identifiers: ClinVar variation 818094 (VCV000818094.3), dbSNP rs4148711, ClinGen allele CA12546341.